The following is an entry in ClinVar:

ClinVar aggregate classification (germline): Uncertain significance (1 of 4 stars; one submission).

Submission:

Labcorp Genetics (formerly Invitae), Labcorp
Classification: Uncertain significance. Last evaluated: 2025-09-10. Review status: criteria provided, single submitter. Criteria: Invitae Variant Classification Sherloc (09022015). Collection method: clinical testing. Allele origin: germline.
Comment: This sequence change replaces threonine, which is neutral and polar, with alanine, which is neutral and non-polar, at codon 303 of the SMAD2 protein (p.Thr303Ala). This variant is not present in population databases (gnomAD no frequency). This variant has not been reported in the literature in individuals affected with SMAD2-related conditions. Invitae Evidence Modeling of protein sequence and biophysical properties (such as structural, functional, and spatial information, amino acid conservation, physicochemical variation, residue mobility, and thermodynamic stability) indicates that this missense variant is expected to disrupt SMAD2 protein function with a positive predictive value of 80%. In summary, the available evidence is currently insufficient to determine the role of this variant in disease. Therefore, it has been classified as a Variant of Uncertain Significance.

NM_005901.6(SMAD2):c.907A>G (p.Thr303Ala)

Gene: SMAD2 (SMAD family member 2; minus strand). Cytogenetic location: 18q21.1.
Variant type: single nucleotide variant.
Coding change: c.907A>G on transcript NM_005901.6 (MANE Select); coding-DNA position 907, A replaced by G.
Protein change: p.Thr303Ala; replaces threonine 303 with alanine.
Molecular consequence: missense variant.
Genome position (GRCh38, 1-based): chr18:47,848,565, T>C on the plus strand (A>G on the coding strand, the complement: SMAD2 is on the minus strand). VCF-style: chr18-47848565-T-C. GRCh37 (hg19) VCF-style: chr18-45374936-T-C.
Other names: c.907A>G, p.Thr303Ala (NM_001003652.4); c.817A>G, p.Thr273Ala (NM_001135937.3); short protein forms T273A, T303A.
Identifiers: ClinVar variation 4742054 (VCV004742054.1).